The following is an entry in ClinVar:

ClinVar aggregate classification (germline): Uncertain significance (1 of 4 stars; one submission).

Conditions:
Infantile-onset X-linked spinal muscular atrophy. Also called: AMC, DISTAL, X-LINKED; ARTHROGRYPOSIS, X-LINKED, TYPE I; Spinal Muscular Atrophy, X-Linked Infantile; Spinal muscular atrophy, X-linked 2; SPINAL MUSCULAR ATROPHY, X-LINKED LETHAL INFANTILE. Identifiers: Orphanet 1145, MedGen C1844934, MONDO:0010532, OMIM 301830.

Allele frequency attached by ClinVar (database versions not stated): gnomAD exomes below 0.00001.
gnomAD v4.1: 1 of 1,209,547 alleles (0.000083%); highest among the groups gnomAD compares: Non-Finnish European, 0.00011%; no homozygotes.

Submission:

Labcorp Genetics (formerly Invitae), Labcorp
Classification: Uncertain significance for Infantile-onset X-linked spinal muscular atrophy. Last evaluated: 2018-05-01. Review status: criteria provided, single submitter. Criteria: Invitae Variant Classification Sherloc (09022015). Collection method: clinical testing. Allele origin: germline.
Comment: In summary, the available evidence is currently insufficient to determine the role of this variant in disease. Therefore, it has been classified as a Variant of Uncertain Significance. Algorithms developed to predict the effect of missense changes on protein structure and function (SIFT, PolyPhen-2, Align-GVGD) all suggest that this variant is likely to be tolerated, but these predictions have not been confirmed by published functional studies and their clinical significance is uncertain. This variant has not been reported in the literature in individuals with UBA1-related disease. This variant is not present in population databases (ExAC no frequency). This sequence change replaces asparagine with aspartic acid at codon 818 of the UBA1 protein (p.Asn818Asp). The asparagine residue is moderately conserved and there is a small physicochemical difference between asparagine and aspartic acid.

NM_003334.4(UBA1):c.2452A>G (p.Asn818Asp)

Gene: UBA1 (ubiquitin like modifier activating enzyme 1; plus strand). Cytogenetic location: Xp11.3.
Variant type: single nucleotide variant.
Coding change: c.2452A>G on transcript NM_003334.4 (MANE Select); coding-DNA position 2452, A replaced by G.
Protein change: p.Asn818Asp; replaces asparagine 818 with aspartic acid.
Molecular consequence: missense variant.
Genome position (GRCh38, 1-based): chrX:47,211,213, A>G. VCF-style: chrX-47211213-A-G. GRCh37 (hg19) VCF-style: chrX-47070612-A-G.
Other names: c.2452A>G, p.Asn818Asp (NM_153280.3); short protein forms N818D.
Identifiers: ClinVar variation 573068 (VCV000573068.8), dbSNP rs1569216553, ClinGen allele CA412809097.